The following is an entry in ClinVar:

ClinVar aggregate classification (germline): Uncertain significance. Review status: criteria provided, multiple submitters, no conflicts (2 of 4 stars). 6 submissions from 6 submitters: Uncertain significance (6). Last evaluated 2025-08-11.

Conditions:
Hereditary cancer-predisposing syndrome. Also called: Neoplastic Syndromes, Hereditary; Tumor predisposition; Hereditary Cancer Syndrome; Hereditary neoplastic syndrome. Identifiers: Orphanet 140162, MedGen C0027672, MeSH D009386, MONDO:0015356.
Breast-ovarian cancer, familial, susceptibility to, 4. Identifiers: Orphanet 145, MedGen C3280345, MONDO:0013669, OMIM 614291.

Allele frequency attached by ClinVar (database versions not stated): ExAC 0.00001; gnomAD exomes 0.00001; TOPMed 0.00001.
gnomAD v4.1: 14 of 1,612,656 alleles (0.00087%); highest among the groups gnomAD compares: Non-Finnish European, 0.0012%; no homozygotes.

Submissions (6):

Labcorp Genetics (formerly Invitae), Labcorp
Classification: Uncertain significance for Breast-ovarian cancer, familial, susceptibility to, 4. Last evaluated: 2025-08-11. Review status: criteria provided, single submitter. Criteria: Invitae Variant Classification Sherloc (09022015). Collection method: clinical testing. Allele origin: germline.
Comment: This sequence change replaces leucine, which is neutral and non-polar, with valine, which is neutral and non-polar, at codon 12 of the RAD51D protein (p.Leu12Val). This variant is present in population databases (rs773065220, gnomAD 0.002%). This variant has not been reported in the literature in individuals affected with RAD51D-related conditions. ClinVar contains an entry for this variant (Variation ID: 472603). An algorithm developed to predict the effect of missense changes on protein structure and function (PolyPhen-2) suggests that this variant is likely to be tolerated. In summary, the available evidence is currently insufficient to determine the role of this variant in disease. Therefore, it has been classified as a Variant of Uncertain Significance.

Color Diagnostics, LLC DBA Color Health
Classification: Uncertain significance for Hereditary cancer-predisposing syndrome. Last evaluated: 2025-06-30. Review status: criteria provided, single submitter. Criteria: ACMG Guidelines, 2015. Collection method: clinical testing. Allele origin: germline.
Comment: This missense variant replaces leucine with valine at codon 12 of the RAD51D protein. Computational prediction suggests that this variant may not impact protein structure and function. To our knowledge, functional studies have not been reported for this variant. This variant has not been reported in individuals affected with hereditary cancer in the literature. This variant has been identified in 2/247698 chromosomes in the general population by the Genome Aggregation Database (gnomAD). The available evidence is insufficient to determine the role of this variant in disease conclusively. Therefore, this variant is classified as a Variant of Uncertain Significance.

Ambry Genetics
Classification: Uncertain significance for Hereditary cancer-predisposing syndrome. Last evaluated: 2024-09-26. Review status: criteria provided, single submitter. Criteria: Ambry Variant Classification Scheme 2023. Collection method: clinical testing. Allele origin: germline.
Comment: The p.L12V variant (also known as c.34C>G), located in coding exon 1 of the RAD51D gene, results from a C to G substitution at nucleotide position 34. The leucine at codon 12 is replaced by valine, an amino acid with highly similar properties. This amino acid position is well conserved in available vertebrate species. In addition, this alteration is predicted to be tolerated by in silico analysis. Since supporting evidence is limited at this time, the clinical significance of this alteration remains unclear.

Baylor Genetics
Classification: Uncertain significance for Breast-ovarian cancer, familial, susceptibility to, 4. Last evaluated: 2024-02-10. Review status: criteria provided, single submitter. Criteria: ACMG Guidelines, 2015. Collection method: clinical testing. Allele origin: unknown.

GeneDx
Classification: Uncertain significance. Last evaluated: 2022-06-28. Review status: criteria provided, single submitter. Criteria: GeneDx Variant Classification Process June 2021. Collection method: clinical testing. Allele origin: germline. Affected: yes.
Comment: Not observed at significant frequency in large population cohorts (gnomAD); In silico analysis supports that this missense variant does not alter protein structure/function; Observed in the germline of an individual with myeloid sarcoma; however, this individual also had a likely pathogenic variant in the EGFR gene (Walker et al., 2022); This variant is associated with the following publications: (PMID: 21111057, 35573754)

Women's Health and Genetics/Laboratory Corporation of America, LabCorp
Classification: Uncertain significance. Last evaluated: 2019-04-01. Review status: criteria provided, single submitter. Criteria: LabCorp Variant Classification Summary - May 2015. Collection method: clinical testing. Allele origin: germline.
Comment: Variant summary: RAD51D c.34C>G (p.Leu12Val) results in a conservative amino acid change in the encoded protein sequence. Three of five in-silico tools predict a benign effect of the variant on protein function. The variant allele was found at a frequency of 8.2e-06 in 242656 control chromosomes (gnomAD). The available data on variant occurrences in the general population are insufficient to allow any conclusion about variant significance. To our knowledge, no occurrence of c.34C>G in individuals affected with Hereditary Breast and Ovarian Cancer and no experimental evidence demonstrating its impact on protein function have been reported. Two clinical diagnostic laboratories have submitted clinical-significance assessments for this variant to ClinVar after 2014 without evidence for independent evaluation. All laboratories classified the variant as uncertain significance. Based on the evidence outlined above, the variant was classified as uncertain significance.

NM_002878.4(RAD51D):c.34C>G (p.Leu12Val)

Genes: RAD51D (RAD51 paralog D; minus strand), RAD51L3-RFFL (RAD51L3-RFFL readthrough; minus strand). Cytogenetic location: 17q12.
Variant type: single nucleotide variant.
Coding change: c.34C>G on transcript NM_002878.4 (MANE Select); coding-DNA position 34, C replaced by G.
Protein change: p.Leu12Val; replaces leucine 12 with valine.
Molecular consequence: missense variant. On other transcripts: non-coding transcript variant (2).
Genome position (GRCh38, 1-based): chr17:35,119,580, G>C on the plus strand (C>G on the coding strand, the complement: RAD51D is on the minus strand). VCF-style: chr17-35119580-G-C. GRCh37 (hg19) VCF-style: chr17-33446599-G-C.
Other names: c.34C>G, p.Leu12Val (NM_001142571.2, NM_133629.3); short protein forms L12V.
Identifiers: ClinVar variation 472603 (VCV000472603.23), dbSNP rs773065220, ClinGen allele CA8499704.
Genomic context (GRCh38, chr17:35,119,580, plus strand): 5'-ACACCCGGTCACCTGTCTTGATCCTGTGGCTCCTGAGAAGCTGGATCATCTCCTCGGTAA[G>C]GCCAGGGCACAGTCCGACCCTGAGCACGCCCATGTTCCCCGCAGGCCGGAACAGCCCCAG-3'
Protein context (NP_002869.3, residues 2-22): GVLRVGLCPG[Leu12Val]TEEMIQLLRS